The following is an entry in ClinVar:

ClinVar aggregate classification (germline): Uncertain significance (1 of 4 stars; one submission).

Conditions:
Peroxisome biogenesis disorder 7B (PBD7B). Identifiers: Orphanet 44, MedGen C3553951, MONDO:0013939, OMIM 614873.
Peroxisome biogenesis disorder 7A (Zellweger). Also called: Peroxisome biogenesis disorder 7A. Identifiers: Orphanet 912, MedGen C3888385, MONDO:0013938, OMIM 614872.

Allele frequency attached by ClinVar (database versions not stated): gnomAD exomes 0.00003 and 0.00004; ExAC 0.00004; gnomAD 0.00001; TOPMed below 0.00001.
gnomAD v4.1: 44 of 1,614,042 alleles (0.0027%); highest among the groups gnomAD compares: South Asian, 0.045%; no homozygotes.

Submission:

Labcorp Genetics (formerly Invitae), Labcorp
Classification: Uncertain significance for Peroxisome biogenesis disorder 7A (Zellweger); Peroxisome biogenesis disorder 7B. Last evaluated: 2025-10-20. Review status: criteria provided, single submitter. Criteria: Invitae Variant Classification Sherloc (09022015). Collection method: clinical testing. Allele origin: germline.
Comment: This sequence change replaces serine, which is neutral and polar, with asparagine, which is neutral and polar, at codon 255 of the PEX26 protein (p.Ser255Asn). This variant is present in population databases (rs770645243, gnomAD 0.03%). This variant has not been reported in the literature in individuals affected with PEX26-related conditions. ClinVar contains an entry for this variant (Variation ID: 1499460). Invitae Evidence Modeling of protein sequence and biophysical properties (such as structural, functional, and spatial information, amino acid conservation, physicochemical variation, residue mobility, and thermodynamic stability) has been performed for this missense variant. However, the output from this modeling did not meet the statistical confidence thresholds required to predict the impact of this variant on PEX26 protein function. In summary, the available evidence is currently insufficient to determine the role of this variant in disease. Therefore, it has been classified as a Variant of Uncertain Significance.

NM_001127649.3(PEX26):c.764G>A (p.Ser255Asn)

Gene: PEX26 (peroxisomal biogenesis factor 26; plus strand). Cytogenetic location: 22q11.21.
Variant type: single nucleotide variant.
Coding change: c.764G>A on transcript NM_001127649.3 (MANE Select); coding-DNA position 764, G replaced by A.
Protein change: p.Ser255Asn; replaces serine 255 with asparagine.
Molecular consequence: missense variant. On other transcripts: intron variant (1).
Genome position (GRCh38, 1-based): chr22:18,085,208, G>A. VCF-style: chr22-18085208-G-A. GRCh37 (hg19) VCF-style: chr22-18567974-G-A.
Other names: c.764G>A, p.Ser255Asn (NM_017929.6); c.667+1476G>A (NM_001199319.2); short protein forms S255N.
Identifiers: ClinVar variation 1499460 (VCV001499460.5), dbSNP rs770645243, ClinGen allele CA10093408.